The following is an entry in ClinVar:

ClinVar aggregate classification (germline): Uncertain significance (1 of 4 stars; one submission).

Conditions:
Inborn genetic diseases. Identifiers: MedGen C0950123, MeSH D030342.

Submission:

Ambry Genetics
Classification: Uncertain significance for Inborn genetic diseases. Last evaluated: 2025-01-09. Review status: criteria provided, single submitter. Criteria: Ambry Variant Classification Scheme 2023. Collection method: clinical testing. Allele origin: germline.
Comment: The c.641+2T>G intronic variant results from a T to G substitution two nucleotides after coding exon 5 of the PQBP1 gene. This alteration occurs at the 3' terminus of the PQBP1 gene and is not expected to trigger nonsense-mediated mRNA decay. The exact functional effect of this alteration is unknown. This variant was not reported in population-based cohorts in the Genome Aggregation Database (gnomAD). This nucleotide position is highly conserved in available vertebrate species. In silico splice site analysis predicts that this alteration will weaken the native splice donor site and will result in the creation or strengthening of a novel splice donor site. Based on insufficient or conflicting evidence, the clinical significance of this alteration remains unclear.

NM_001032382.2(PQBP1):c.641+2T>G

Gene: PQBP1 (polyglutamine binding protein 1; plus strand). Cytogenetic location: Xp11.23.
Variant type: single nucleotide variant.
Coding change: c.641+2T>G on transcript NM_001032382.2 (MANE Select); the canonical splice donor site of the intron after coding-DNA position 641, T replaced by G.
Molecular consequence: splice donor variant.
Genome position (GRCh38, 1-based): chrX:48,902,797, T>G. VCF-style: chrX-48902797-T-G. GRCh37 (hg19) VCF-style: chrX-48760074-T-G.
Other names: c.641+2T>G (NM_001032383.2, NM_001032381.2, NM_005710.2 and 1 more transcripts); c.356+2T>G (NM_144495.3); c.638+2T>G (NM_001167989.2); c.617+2T>G (NM_001167990.2); c.341+2T>G (NM_001167992.1).
Identifiers: ClinVar variation 3782830 (VCV003782830.1).